The following is an entry in ClinVar:

ClinVar aggregate classification (germline): Uncertain significance (1 of 4 stars; one submission).

Conditions:
ALG5-related disorder. Also called: ALG5-related condition.

Submission:

PreventionGenetics, part of Exact Sciences
Classification: Uncertain significance for ALG5-related condition. Last evaluated: 2025-03-07. Review status: criteria provided, single submitter. Criteria: ACMG Guidelines, 2015. Collection method: clinical testing. Allele origin: germline.
Comment: The ALG5 c.565C>G variant is predicted to result in the amino acid substitution p.Gln189Glu. To our knowledge, this variant has not been reported in the literature or in a large population database (gnomAD), indicating this variant is rare. At this time, the clinical significance of this variant is uncertain due to the absence of conclusive functional and genetic evidence.

NM_013338.5(ALG5):c.565C>G (p.Gln189Glu)

Gene: ALG5 (ALG5 dolichyl-phosphate beta-glucosyltransferase; minus strand). Cytogenetic location: 13q13.3.
Variant type: single nucleotide variant.
Coding change: c.565C>G on transcript NM_013338.5 (MANE Select); coding-DNA position 565, C replaced by G.
Protein change: p.Gln189Glu; replaces glutamine 189 with glutamic acid.
Molecular consequence: missense variant.
Genome position (GRCh38, 1-based): chr13:36,972,033, G>C on the plus strand (C>G on the coding strand, the complement: ALG5 is on the minus strand). VCF-style: chr13-36972033-G-C. GRCh37 (hg19) VCF-style: chr13-37546170-G-C.
Other names: c.475C>G, p.Gln159Glu (NM_001142364.1); short protein forms Q159E, Q189E.
Identifiers: ClinVar variation 5000915 (VCV005000915.1).
Genomic context (GRCh38, chr13:36,972,033, plus strand): 5'-TCACCTGAGCAATTGATTCTTTTTCTAAATGAGCTCGAGATCCACATGCTATAGCCATTT[G>C]ATTCTGAGGGAAAAAGCAGAGATAGTTTTTCAATATTTAAATATCACTAATAAAAATATT-3'
Protein context (NP_037470.1, residues 179-199): GLNDLQPWPN[Gln189Glu]MAIACGSRAH